The following is an entry in ClinVar:

NM_013296.5(GPSM2):c.1063-4G>C

Gene: GPSM2 (G protein signaling modulator 2; plus strand). Cytogenetic location: 1p13.3.
Variant type: single nucleotide variant.
Coding change: c.1063-4G>C on transcript NM_013296.5 (MANE Select); 4 bases into the intron before coding-DNA position 1063, G replaced by C.
Molecular consequence: intron variant.
Genome position (GRCh38, 1-based): chr1:108,904,121, G>C. VCF-style: chr1-108904121-G-C. GRCh37 (hg19) VCF-style: chr1-109446743-G-C.
Other names: c.1063-4G>C (NM_001321038.2, NM_001321039.3).
Identifiers: ClinVar variation 667117 (VCV000667117.4), dbSNP rs1570914167, ClinGen allele CA915941380.

ClinVar aggregate classification (germline): Likely benign (1 of 4 stars; one submission).

Allele frequency attached by ClinVar (database versions not stated): gnomAD exomes below 0.00001.
gnomAD v4.1: 3 of 1,586,592 alleles (0.00019%); highest among the groups gnomAD compares: Non-Finnish European, 0.00026%; no homozygotes.

Submission:

Laboratory for Molecular Medicine, Mass General Brigham Personalized Medicine
Classification: Likely benign. Last evaluated: 2018-08-09. Review status: criteria provided, single submitter. Criteria: LMM Criteria. Collection method: clinical testing. Allele origin: germline. Observed: 1 variant allele.
Comment: The c.1063-4G>C variant in GPSM2 is classified as likely benign because it is lo cated in the 3' splice region but is not within the consensus splice site, and c omputational tools do not suggest an impact to splicing. It was absent from larg e population studies. ACMG/AMP Criteria applied: PM2, BP4, BP7.